The following is an entry in ClinVar:

NM_001267550.2(TTN):c.63025C>A (p.Arg21009=)

Genes: TTN (titin; minus strand), TTN-AS1 (TTN antisense RNA 1; plus strand). Cytogenetic location: 2q31.2.
Variant type: single nucleotide variant.
Coding change: c.63025C>A on transcript NM_001267550.2 (MANE Select); coding-DNA position 63025, C replaced by A.
Protein change: p.Arg21009=; no amino-acid change (arginine 21009 retained).
Molecular consequence: synonymous variant.
Genome position (GRCh38, 1-based): chr2:178,588,700, G>T on the plus strand (C>A on the coding strand, the complement: TTN is on the minus strand). VCF-style: chr2-178588700-G-T. GRCh37 (hg19) VCF-style: chr2-179453427-G-T.
Other names: c.58102C>A, p.Arg19368= (NM_001256850.1); c.35830C>A, p.Arg11944= (NM_003319.4); c.55321C>A, p.Arg18441= (NM_133378.4); c.36205C>A, p.Arg12069= (NM_133432.3); c.36406C>A, p.Arg12136= (NM_133437.4).
Identifiers: ClinVar variation 1569726 (VCV001569726.12), dbSNP rs368452607, ClinGen allele CA1992156.

ClinVar aggregate classification (germline): Likely benign. Review status: criteria provided, multiple submitters, no conflicts (2 of 4 stars). 4 submissions from 4 submitters: Likely benign (4). Last evaluated 2026-05-08.

Conditions:
Dilated cardiomyopathy 1G (CMD1G). Identifiers: Orphanet 154, MedGen C1858763, MONDO:0011400, OMIM 604145.
Autosomal recessive limb-girdle muscular dystrophy type 2J (LGMDR10). Also called: Limb-girdle muscular dystrophy, type 2J; MUSCULAR DYSTROPHY, LIMB-GIRDLE, AUTOSOMAL RECESSIVE 10. Identifiers: Orphanet 140922, MedGen C1837342, MONDO:0012127, OMIM 608807.
TTN-related disorder. Also called: TTN-related disorders; TTN-related condition; TTN-related disease.
Cardiovascular phenotype. Identifiers: MedGen CN230736.

Allele frequency attached by ClinVar (database versions not stated): ExAC 0.00001; gnomAD 0.00001; ESP Exome Variant Server 0.00008.
gnomAD v4.1: 13 of 1,613,128 alleles (0.00081%); highest among the groups gnomAD compares: African/African-American, 0.012%; no homozygotes.

Submissions (4):

PreventionGenetics, part of Exact Sciences
Classification: Likely benign for TTN-related condition. Last evaluated: 2026-05-08. Review status: criteria provided, single submitter. Criteria: ACMG Guidelines, 2015. Collection method: clinical testing. Allele origin: germline.
Comment: This variant is classified as likely benign based on ACMG/AMP sequence variant interpretation guidelines (Richards et al. 2015 PMID: 25741868, with internal and published modifications).

Labcorp Genetics (formerly Invitae), Labcorp
Classification: Likely benign for Dilated cardiomyopathy 1G; Autosomal recessive limb-girdle muscular dystrophy type 2J. Last evaluated: 2025-01-14. Review status: criteria provided, single submitter. Criteria: Invitae Variant Classification Sherloc (09022015). Collection method: clinical testing. Allele origin: germline.

Ambry Genetics
Classification: Likely benign for Cardiovascular phenotype. Last evaluated: 2023-03-29. Review status: criteria provided, single submitter. Criteria: Ambry Variant Classification Scheme 2023. Collection method: clinical testing. Allele origin: germline.

Breakthrough Genomics
Classification: Likely benign. Review status: criteria provided, single submitter. Criteria: ACMG Guidelines, 2015. Collection method: not provided. Allele origin: germline. Inheritance: Autosomal recessive inheritance. Affected: yes.